The following is an entry in ClinVar:

ClinVar aggregate classification (germline): Uncertain significance (1 of 4 stars; one submission).

Submission:

Labcorp Genetics (formerly Invitae), Labcorp
Classification: Uncertain significance. Last evaluated: 2016-09-20. Review status: criteria provided, single submitter. Criteria: Invitae Variant Classification Sherloc (09022015). Collection method: clinical testing. Allele origin: germline.
Comment: In summary, this variant is a novel missense change with uncertain impact on protein function. It has been classified as a Variant of Uncertain Significance. Algorithms developed to predict the effect of missense changes on protein structure and function do not agree on the potential impact of this missense change (SIFT: "Deleterious"; PolyPhen-2: "Probably Damaging"; Align-GVGD: "Class C0"). This variant is not present in population databases (ExAC no frequency) and has not been reported in the literature in individuals with a NSD1-related disease. This sequence change replaces cysteine with serine at codon 1593 of the NSD1 protein (p.Cys1593Ser). The cysteine residue is moderately conserved and there is a moderate physicochemical difference between cysteine and serine.

NM_022455.5(NSD1):c.4777T>A (p.Cys1593Ser)

Gene: NSD1 (nuclear receptor binding SET domain protein 1; plus strand). Cytogenetic location: 5q35.3.
Variant type: single nucleotide variant.
Coding change: c.4777T>A on transcript NM_022455.5 (MANE Select); coding-DNA position 4777, T replaced by A.
Protein change: p.Cys1593Ser; replaces cysteine 1593 with serine.
Molecular consequence: missense variant.
Genome position (GRCh38, 1-based): chr5:177,256,962, T>A. VCF-style: chr5-177256962-T-A. GRCh37 (hg19) VCF-style: chr5-176683963-T-A.
Other names: c.3904T>A, p.Cys1302Ser (NM_001365684.2, NM_001409308.1, NM_001409309.1 and 1 more transcripts); c.4777T>A, p.Cys1593Ser (NM_001409301.1, NM_001409302.1, NM_001409303.1); c.4357T>A, p.Cys1453Ser (NM_001409304.1); c.4024T>A, p.Cys1342Ser (NM_001409305.1); c.4015T>A, p.Cys1339Ser (NM_001409306.1, NM_001409307.1); short protein forms C1593S, C1324S, C1342S, C1453S, C1302S, C1339S.
Identifiers: ClinVar variation 407365 (VCV000407365.10), dbSNP rs1060501495, ClinGen allele CA16612036.